The following is an entry in ClinVar:

ClinVar aggregate classification (germline): Pathogenic (1 of 4 stars; one submission).

Submission:

Labcorp Genetics (formerly Invitae), Labcorp
Classification: Pathogenic. Last evaluated: 2019-10-03. Review status: criteria provided, single submitter. Criteria: Invitae Variant Classification Sherloc (09022015). Collection method: clinical testing. Allele origin: germline.
Comment: Loss-of-function variants in SMARCB1 are known to be pathogenic (PMID: 10521299, 21208904). This variant has not been reported in the literature in individuals with SMARCB1-related conditions. This variant is not present in population databases (ExAC no frequency). This sequence change creates a premature translational stop signal (p.Pro215Leufs*14) in the SMARCB1 gene. It is expected to result in an absent or disrupted protein product. For these reasons, this variant has been classified as Pathogenic.

Literature cited by the submitters: PubMed 10521299; PubMed 21208904.

NM_003073.5(SMARCB1):c.644del (p.Pro215fs)

Gene: SMARCB1 (SWI/SNF related BAF chromatin remodeling complex subunit B1; plus strand). Cytogenetic location: 22q11.23.
Variant type: Deletion.
Coding change: c.644del on transcript NM_003073.5 (MANE Select); coding-DNA position 644, one base deleted (C; older notation c.644delC).
Protein change: p.Pro215fs; shifts the reading frame from proline 215.
Molecular consequence: frameshift variant.
Genome position (GRCh38, 1-based): chr22:23,816,785, C deleted; the last of 2 consecutive C bases (chr22:23,816,784-23,816,785); deleting either gives the same sequence. VCF-style (leftmost placement, unchanged base first): chr22-23816783-GC-G. GRCh37 (hg19) VCF-style: chr22-24158970-GC-G.
Other names: c.617del, p.Pro206fs (NM_001007468.3); c.671del, p.Pro224fs (NM_001317946.2); c.698del, p.Pro233fs (NM_001362877.2); short protein forms P224fs, P233fs, P215fs, P206fs.
Identifiers: ClinVar variation 958532 (VCV000958532.7), dbSNP rs1930219613, ClinGen allele CA1139666986.
Genomic context (GRCh38, chr22:23,816,783, plus strand): 5'-CAAGCATGGTGCAATCTCTTGGCATCCCTTCCCTCTCCTGATTTCAGAGAAGTTGATGAC[GC>G]CTGAGATGTTTTCAGAAATCCTCTGTGACGATCTGGATTTGAACCCGCTGACGTTTGTGC-3'